The following is an entry in ClinVar:

NM_001167.4(XIAP):c.1099G>A (p.Asp367Asn)

Gene: XIAP (X-linked inhibitor of apoptosis; plus strand). Cytogenetic location: Xq25.
Variant type: single nucleotide variant.
Coding change: c.1099G>A on transcript NM_001167.4 (MANE Select); coding-DNA position 1099, G replaced by A.
Protein change: p.Asp367Asn; replaces aspartic acid 367 with asparagine.
Molecular consequence: missense variant. On other transcripts: non-coding transcript variant (2).
Genome position (GRCh38, 1-based): chrX:123,892,773, G>A. VCF-style: chrX-123892773-G-A. GRCh37 (hg19) VCF-style: chrX-123026623-G-A.
Other names: c.1099G>A, p.Asp367Asn (NM_001204401.2, NM_001378590.1, NM_001378591.1 and 1 more transcripts); short protein forms D367N.
Identifiers: ClinVar variation 2124901 (VCV002124901.5), dbSNP rs2522599231, ClinGen allele CA414125681.

ClinVar aggregate classification (germline): Uncertain significance (1 of 4 stars; one submission).

Conditions:
X-linked lymphoproliferative disease due to XIAP deficiency. Also called: XIAP-Related Lymphoproliferative Disease, X-Linked; XIAP DEFICIENCY. Identifiers: Orphanet 2442, Orphanet 538934, MedGen C1845076, MONDO:0010385, OMIM 300635.

Submissions (2):

Labcorp Genetics (formerly Invitae), Labcorp
Classification: Uncertain significance for X-linked lymphoproliferative disease due to XIAP deficiency. Last evaluated: 2022-04-11. Review status: criteria provided, single submitter. Criteria: Invitae Variant Classification Sherloc (09022015). Collection method: clinical testing. Allele origin: germline.
Comment: In summary, the available evidence is currently insufficient to determine the role of this variant in disease. Therefore, it has been classified as a Variant of Uncertain Significance. Variants that disrupt the consensus splice site are a relatively common cause of aberrant splicing (PMID: 17576681, 9536098). Algorithms developed to predict the effect of sequence changes on RNA splicing suggest that this variant may disrupt the consensus splice site. Algorithms developed to predict the effect of missense changes on protein structure and function are either unavailable or do not agree on the potential impact of this missense change (SIFT: "Not Available"; PolyPhen-2: "Benign"; Align-GVGD: "Not Available"). This variant has not been reported in the literature in individuals affected with XIAP-related conditions. This variant is not present in population databases (gnomAD no frequency). This sequence change replaces aspartic acid, which is acidic and polar, with asparagine, which is neutral and polar, at codon 367 of the XIAP protein (p.Asp367Asn). This variant also falls at the last nucleotide of exon 5, which is part of the consensus splice site for this exon.

Dr. Peter K. Rogan Lab, Western University
No classification provided (evidence only). Condition: Thyroid cancer, nonmedullary, 1. Review status: no classification provided. Collection method: in vitro. Allele origin: not applicable. Functional consequence: retained intron. Not counted in ClinVar's aggregate classification.

Literature cited by the submitters: PubMed 17576681 (cited by Labcorp Genetics (formerly Invitae), Labcorp); PubMed 9536098 (cited by Labcorp Genetics (formerly Invitae), Labcorp).